The following is an entry in ClinVar:

NM_005732.4(RAD50):c.930T>G (p.Asn310Lys)

Gene: RAD50 (RAD50 double strand break repair protein; plus strand). Cytogenetic location: 5q31.1.
Variant type: single nucleotide variant.
Coding change: c.930T>G on transcript NM_005732.4 (MANE Select); coding-DNA position 930, T replaced by G.
Protein change: p.Asn310Lys; replaces asparagine 310 with lysine.
Molecular consequence: missense variant.
Genome position (GRCh38, 1-based): chr5:132,587,968, T>G. VCF-style: chr5-132587968-T-G. GRCh37 (hg19) VCF-style: chr5-131923660-T-G.
Other names: short protein forms N310K.
Identifiers: ClinVar variation 3005181 (VCV003005181.3), dbSNP rs2479632530, ClinGen allele CA360940967.

ClinVar aggregate classification (germline): Uncertain significance (1 of 4 stars; one submission).

Conditions:
Hereditary cancer-predisposing syndrome. Also called: Hereditary Cancer Syndrome; Neoplastic Syndromes, Hereditary; Tumor predisposition; Hereditary neoplastic syndrome. Identifiers: Orphanet 140162, MedGen C0027672, MeSH D009386, MONDO:0015356.

Submission:

Labcorp Genetics (formerly Invitae), Labcorp
Classification: Uncertain significance for Hereditary cancer-predisposing syndrome. Last evaluated: 2023-12-04. Review status: criteria provided, single submitter. Criteria: Invitae Variant Classification Sherloc (09022015). Collection method: clinical testing. Allele origin: germline.
Comment: This sequence change replaces asparagine, which is neutral and polar, with lysine, which is basic and polar, at codon 310 of the RAD50 protein (p.Asn310Lys). This variant is not present in population databases (gnomAD no frequency). This variant has not been reported in the literature in individuals affected with RAD50-related conditions. Advanced modeling of protein sequence and biophysical properties (such as structural, functional, and spatial information, amino acid conservation, physicochemical variation, residue mobility, and thermodynamic stability) performed at Invitae indicates that this missense variant is not expected to disrupt RAD50 protein function with a negative predictive value of 80%. In summary, the available evidence is currently insufficient to determine the role of this variant in disease. Therefore, it has been classified as a Variant of Uncertain Significance.